The following is an entry in ClinVar:

Conditions:
Arteriohepatic dysplasia. Also called: Alagille Syndrome. Identifiers: Orphanet 52, MedGen C0085280, MeSH D016738, MONDO:0007318.

Submission:

Gilbert/Spinner Lab, Children's Hospital of Philadelphia
No classification provided (evidence only). Condition: Alagille syndrome. Review status: no classification provided. Collection method: research. Allele origin: not applicable. Functional consequence: functionally_abnormal.
ClinVar note: "not provided" was previously submitted as the classification for the variant. However, the classification appeared to be based only on an observation of functional data so it was converted to no classification on 2025-07-30.

NM_000214.3(JAG1):c.377T>A (p.Phe126Tyr)

Gene: JAG1 (jagged canonical Notch ligand 1; minus strand). Cytogenetic location: 20p12.2.
Variant type: single nucleotide variant.
Coding change: c.377T>A on transcript NM_000214.3 (MANE Select); coding-DNA position 377, T replaced by A.
Protein change: p.Phe126Tyr; replaces phenylalanine 126 with tyrosine.
Molecular consequence: missense variant.
Genome position (GRCh38, 1-based): chr20:10,672,711, A>T on the plus strand (T>A on the coding strand, the complement: JAG1 is on the minus strand). VCF-style: chr20-10672711-A-T. GRCh37 (hg19) VCF-style: chr20-10653359-A-T.
Other names: short protein forms F126Y.
Identifiers: ClinVar variation 3573284 (VCV003573284.2).